The following is an entry in ClinVar:

NM_001110556.2(FLNA):c.283C>T (p.Gln95Ter)

Gene: FLNA (filamin A; minus strand). Cytogenetic location: Xq28.
Variant type: single nucleotide variant.
Coding change: c.283C>T on transcript NM_001110556.2 (MANE Select); coding-DNA position 283, C replaced by T.
Protein change: p.Gln95Ter; replaces glutamine 95 with a stop codon.
Molecular consequence: nonsense.
Genome position (GRCh38, 1-based): chrX:154,370,963, G>A on the plus strand (C>T on the coding strand, the complement: FLNA is on the minus strand). VCF-style: chrX-154370963-G-A. GRCh37 (hg19) VCF-style: chrX-153599331-G-A.
Other names: c.283C>T, p.Gln95Ter (NM_001456.4); short protein forms Q95*.
Identifiers: ClinVar variation 2633557 (VCV002633557.1), dbSNP rs2522771398, ClinGen allele CA415254570.

ClinVar aggregate classification (germline): Likely pathogenic (1 of 4 stars; one submission).

Conditions:
FLNA-related disorder.

Submission:

PreventionGenetics, part of Exact Sciences
Classification: Likely pathogenic for FLNA-related condition. Last evaluated: 2023-03-09. Review status: criteria provided, single submitter. Criteria: ACMG Guidelines, 2015. Collection method: clinical testing. Allele origin: germline.
Comment: The FLNA c.283C>T variant is predicted to result in premature protein termination (p.Gln95*). To our knowledge, this variant has not been reported in the literature or in a large population database, indicating this variant is rare. Nonsense variants in FLNA are expected to be pathogenic. This variant is interpreted as likely pathogenic.